The following is an entry in ClinVar:

NM_005359.6(SMAD4):c.483A>G (p.Glu161=)

Gene: SMAD4 (SMAD family member 4; plus strand). Cytogenetic location: 18q21.2.
Variant type: single nucleotide variant.
Coding change: c.483A>G on transcript NM_005359.6 (MANE Select); coding-DNA position 483, A replaced by G.
Protein change: p.Glu161=; no amino-acid change (glutamic acid 161 retained).
Molecular consequence: synonymous variant.
Genome position (GRCh38, 1-based): chr18:51,054,809, A>G. VCF-style: chr18-51054809-A-G. GRCh37 (hg19) VCF-style: chr18-48581179-A-G.
Identifiers: ClinVar variation 183859 (VCV000183859.15), dbSNP rs786201120, ClinGen allele CA186785.

ClinVar aggregate classification (germline): Benign/Likely benign. Review status: criteria provided, multiple submitters, no conflicts (2 of 4 stars). 4 submissions from 4 submitters: Benign (1); Likely benign (3). Last evaluated 2025-03-19.

Conditions:
Juvenile polyposis syndrome (JPS). Identifiers: Orphanet 2929, MedGen C0345893, MONDO:0017380, OMIM 174900.
Familial thoracic aortic aneurysm and aortic dissection (TAAD). Also called: Thoracic aortic aneurysms and dissections. Identifiers: Orphanet 91387, MedGen C4707243, MONDO:0019625.
Hereditary cancer-predisposing syndrome. Also called: Neoplastic Syndromes, Hereditary; Tumor predisposition; Hereditary neoplastic syndrome; Hereditary Cancer Syndrome. Identifiers: Orphanet 140162, MedGen C0027672, MeSH D009386, MONDO:0015356.
Juvenile polyposis/hereditary hemorrhagic telangiectasia syndrome (JPHT). Also called: JP/HHT SYNDROME; JUVENILE POLYPOSIS WITH HEREDITARY HEMORRHAGIC TELANGIECTASIA; POLYPOSIS, GENERALIZED JUVENILE, WITH PULMONARY ARTERIOVENOUS MALFORMATION; TELANGIECTASIA, HEREDITARY HEMORRHAGIC, WITH JUVENILE POLYPOSIS COLI; Juvenile Polyposis Syndrome / Hereditary Hemorrhagic Telangiectasia (JPS/HHT). Identifiers: Orphanet 2929, MedGen C1832942, MONDO:0008278, OMIM 175050.

Allele frequency attached by ClinVar (database versions not stated): gnomAD exomes below 0.00001.
gnomAD v4.1: 1 of 1,613,564 alleles (0.000062%); highest among the groups gnomAD compares: Middle Eastern, 0.017%; no homozygotes.

Submissions (4):

Myriad Genetics, Inc.
Classification: Benign for Juvenile polyposis/hereditary hemorrhagic telangiectasia syndrome. Last evaluated: 2025-03-19. Review status: criteria provided, single submitter. Criteria: Myriad Autosomal Dominant, Autosomal Recessive and X-Linked Classification Criteria (2023). Collection method: clinical testing. Allele origin: unknown.
Comment: This variant is considered benign. This variant is a silent/synonymous amino acid change and it is not expected to impact splicing.

Labcorp Genetics (formerly Invitae), Labcorp
Classification: Likely benign for Juvenile polyposis syndrome. Last evaluated: 2024-12-24. Review status: criteria provided, single submitter. Criteria: Invitae Variant Classification Sherloc (09022015). Collection method: clinical testing. Allele origin: germline.

Ambry Genetics
Classification: Likely benign for Hereditary cancer-predisposing syndrome; Familial thoracic aortic aneurysm and aortic dissection. Last evaluated: 2024-07-26. Review status: criteria provided, single submitter. Criteria: Ambry Variant Classification Scheme 2023. Collection method: clinical testing. Allele origin: germline.

Color Diagnostics, LLC DBA Color Health
Classification: Likely benign for Hereditary cancer-predisposing syndrome. Last evaluated: 2019-09-24. Review status: criteria provided, single submitter. Criteria: ACMG Guidelines, 2015. Collection method: clinical testing. Allele origin: germline.